The following is an entry in ClinVar:

ClinVar aggregate classification (germline): Uncertain significance (1 of 4 stars; one submission).

Conditions:
Syndromic multisystem autoimmune disease due to ITCH deficiency. Also called: AUTOIMMUNE DISEASE, MULTISYSTEM, WITH FACIAL DYSMORPHISM. Identifiers: Orphanet 228426, MedGen C3150649, MONDO:0013245, OMIM 613385.

Submission:

Labcorp Genetics (formerly Invitae), Labcorp
Classification: Uncertain significance for Syndromic multisystem autoimmune disease due to ITCH deficiency. Last evaluated: 2022-11-24. Review status: criteria provided, single submitter. Criteria: Invitae Variant Classification Sherloc (09022015). Collection method: clinical testing. Allele origin: germline.
Comment: In summary, the available evidence is currently insufficient to determine the role of this variant in disease. Therefore, it has been classified as a Variant of Uncertain Significance. Algorithms developed to predict the effect of missense changes on protein structure and function are either unavailable or do not agree on the potential impact of this missense change (SIFT: "Not Available"; PolyPhen-2: "Benign"; Align-GVGD: "Not Available"). This variant has not been reported in the literature in individuals affected with ITCH-related conditions. This variant is not present in population databases (gnomAD no frequency). This sequence change replaces isoleucine, which is neutral and non-polar, with valine, which is neutral and non-polar, at codon 378 of the ITCH protein (p.Ile378Val).

NM_031483.7(ITCH):c.1132A>G (p.Ile378Val)

Gene: ITCH (itchy E3 ubiquitin protein ligase; plus strand). Cytogenetic location: 20q11.22.
Variant type: single nucleotide variant.
Coding change: c.1132A>G on transcript NM_031483.7 (MANE Select); coding-DNA position 1132, A replaced by G.
Protein change: p.Ile378Val; replaces isoleucine 378 with valine.
Molecular consequence: missense variant.
Genome position (GRCh38, 1-based): chr20:34,445,453, A>G. VCF-style: chr20-34445453-A-G. GRCh37 (hg19) VCF-style: chr20-33033258-A-G.
Other names: c.1255A>G, p.Ile419Val (NM_001257137.3, NM_001324197.2); c.802A>G, p.Ile268Val (NM_001257138.3); c.1132A>G, p.Ile378Val (NM_001324198.2); short protein forms I268V, I419V, I378V.
Identifiers: ClinVar variation 2816259 (VCV002816259.3), dbSNP rs2515695483, ClinGen allele CA408664250.